The following is an entry in ClinVar:

ClinVar aggregate classification (germline): Uncertain significance. Review status: criteria provided, multiple submitters, no conflicts (2 of 4 stars). 2 submissions from 2 submitters: Uncertain significance (2). Last evaluated 2025-10-25.

Allele frequency attached by ClinVar (database versions not stated): TOPMed 0.00001.
gnomAD v4.1: 1 of 1,614,198 alleles (0.000062%); highest among the groups gnomAD compares: Admixed American, 0.0017%; no homozygotes.

Submissions (2):

Ambry Genetics
Classification: Uncertain significance. Last evaluated: 2025-10-25. Review status: criteria provided, single submitter. Criteria: Ambry Variant Classification Scheme 2023. Collection method: clinical testing. Allele origin: germline.

Labcorp Genetics (formerly Invitae), Labcorp
Classification: Uncertain significance. Last evaluated: 2023-08-17. Review status: criteria provided, single submitter. Criteria: Invitae Variant Classification Sherloc (09022015). Collection method: clinical testing. Allele origin: germline.
Comment: An algorithm developed to predict the effect of missense changes on protein structure and function (PolyPhen-2) suggests that this variant is likely to be disruptive. ClinVar contains an entry for this variant (Variation ID: 1469963). This variant has not been reported in the literature in individuals affected with LOXL3-related conditions. The frequency data for this variant in the population databases is considered unreliable, as metrics indicate poor data quality at this position in the gnomAD database. This sequence change replaces histidine, which is basic and polar, with tyrosine, which is neutral and polar, at codon 254 of the LOXL3 protein (p.His254Tyr). In summary, the available evidence is currently insufficient to determine the role of this variant in disease. Therefore, it has been classified as a Variant of Uncertain Significance.

NM_032603.5(LOXL3):c.760C>T (p.His254Tyr)

Gene: LOXL3 (lysyl oxidase like 3; minus strand). Cytogenetic location: 2p13.1.
Variant type: single nucleotide variant.
Coding change: c.760C>T on transcript NM_032603.5 (MANE Select); coding-DNA position 760, C replaced by T.
Protein change: p.His254Tyr; replaces histidine 254 with tyrosine.
Molecular consequence: missense variant. On other transcripts: intron variant (2).
Genome position (GRCh38, 1-based): chr2:74,536,861, G>A on the plus strand (C>T on the coding strand, the complement: LOXL3 is on the minus strand). VCF-style: chr2-74536861-G-A. GRCh37 (hg19) VCF-style: chr2-74763988-G-A.
Other names: c.478-390C>T (NM_001289164.3); c.-171-390C>T (NM_001289165.2); c.760C>T (NM_032603.2); short protein forms H254Y.
Identifiers: ClinVar variation 1469963 (VCV001469963.6), dbSNP rs1298802352, ClinGen allele CA347391336.